The following is an entry in ClinVar:

NM_001089.3(ABCA3):c.-9A>G

Gene: ABCA3 (ATP binding cassette subfamily A member 3; minus strand). Cytogenetic location: 16p13.3.
Variant type: single nucleotide variant.
Coding change: c.-9A>G on transcript NM_001089.3 (MANE Select); 9 bases upstream of the start codon, A replaced by G.
Molecular consequence: 5 prime UTR variant.
Genome position (GRCh38, 1-based): chr16:2,326,475, T>C on the plus strand (A>G on the coding strand, the complement: ABCA3 is on the minus strand). VCF-style: chr16-2326475-T-C. GRCh37 (hg19) VCF-style: chr16-2376476-T-C.
Identifiers: ClinVar variation 226453 (VCV000226453.9), dbSNP rs78286222, ClinGen allele CA7841836.

ClinVar aggregate classification (germline): Benign/Likely benign. Review status: criteria provided, multiple submitters, no conflicts (2 of 4 stars). 4 submissions from 4 submitters: Benign (2); Likely benign (2). Last evaluated 2024-11-12.

Allele frequency attached by ClinVar (database versions not stated): gnomAD 0.00977 and 0.01064; 1000 Genomes Project 0.01038; 1000 Genomes Project 30x 0.01109; ESP Exome Variant Server 0.01131; TOPMed 0.01150.
gnomAD v4.1: 3,031 of 1,608,992 alleles (0.19%); highest among the groups gnomAD compares: African/African-American, 3.4%; 46 homozygotes.

Submissions (4):

Blueprint Genetics
Classification: Benign. Last evaluated: 2024-11-12. Review status: criteria provided, single submitter. Criteria: ACMG Guidelines, 2015. Collection method: clinical testing. Allele origin: germline.

GeneDx
Classification: Likely benign. Last evaluated: 2020-08-04. Review status: criteria provided, single submitter. Criteria: GeneDx Variant Classification Process June 2021. Collection method: clinical testing. Allele origin: germline. Affected: yes.

Laboratory for Molecular Medicine, Mass General Brigham Personalized Medicine
Classification: Benign. Last evaluated: 2013-02-21. Review status: criteria provided, single submitter. Criteria: LMM Criteria. Collection method: clinical testing. Allele origin: germline. Observed: 1 variant allele.
Comment: -9A>G in exon 4 of ABCA3: This variant is not expected to have clinical signific ance because it has been identified in 3.3% (146/4396) of African American chrom osomes from a broad population by the NHLBI Exome Sequencing Project (.gs.washington.

Breakthrough Genomics
Classification: Likely benign. Review status: criteria provided, single submitter. Criteria: ACMG Guidelines, 2015. Collection method: not provided. Allele origin: germline. Inheritance: Autosomal recessive inheritance. Affected: yes.